The following is an entry in ClinVar:

NM_001378615.1(CC2D2A):c.2552T>A (p.Leu851Ter)

Genes: CC2D2A (coiled-coil and C2 domain containing 2A; plus strand), FBXL5 (F-box and leucine rich repeat protein 5; minus strand). Cytogenetic location: 4p15.32.
Variant type: single nucleotide variant.
Coding change: c.2552T>A on transcript NM_001378615.1 (MANE Select); coding-DNA position 2552, T replaced by A.
Protein change: p.Leu851Ter; replaces leucine 851 with a stop codon.
Molecular consequence: nonsense.
Genome position (GRCh38, 1-based): chr4:15,555,137, T>A. VCF-style: chr4-15555137-T-A. GRCh37 (hg19) VCF-style: chr4-15556760-T-A.
Other names: c.2552T>A, p.Leu851Ter (NM_001080522.2); c.2405T>A, p.Leu802Ter (NM_001378617.1); short protein forms L802*, L851*.
Identifiers: ClinVar variation 5015873 (VCV005015873.1).

ClinVar aggregate classification (germline): Pathogenic (1 of 4 stars; one submission).

Conditions:
Joubert syndrome and related disorders. Identifiers: Orphanet 140874, MedGen C5679612, MONDO:0015369.

Submission:

Myriad Genetics, Inc.
Classification: Pathogenic for Joubert syndrome and related disorders. Last evaluated: 2026-05-05. Review status: criteria provided, single submitter. Criteria: Myriad Autosomal Dominant, Autosomal Recessive and X-Linked Classification Criteria (2023). Collection method: clinical testing. Allele origin: unknown.
Comment: NM_001080522.2(CC2D2A):c.2552T>A(L851*) is expected to be pathogenic in the context of CC2D2A-related disorders. This variant is predicted to lead to an abnormal or absent protein product due to the creation of a premature termination codon in CC2D2A, a gene where loss-of-function variants are known to be pathogenic. Please note: this variant was assessed in the context of healthy population screening.